The following is an entry in ClinVar:

NM_182914.3(SYNE2):c.16066G>A (p.Glu5356Lys)

Gene: SYNE2 (spectrin repeat containing nuclear envelope protein 2; plus strand). Cytogenetic location: 14q23.2.
Variant type: single nucleotide variant.
Coding change: c.16066G>A on transcript NM_182914.3 (MANE Select); coding-DNA position 16066, G replaced by A.
Protein change: p.Glu5356Lys; replaces glutamic acid 5356 with lysine.
Molecular consequence: missense variant.
Genome position (GRCh38, 1-based): chr14:64,159,414, G>A. VCF-style: chr14-64159414-G-A. GRCh37 (hg19) VCF-style: chr14-64626132-G-A.
Other names: c.16066G>A, p.Glu5356Lys (NM_015180.6); short protein forms E5356K.
Identifiers: ClinVar variation 2959113 (VCV002959113.3), dbSNP rs373707221, ClinGen allele CA7223247.

ClinVar aggregate classification (germline): Uncertain significance (1 of 4 stars; one submission).

Conditions:
Emery-Dreifuss muscular dystrophy 5, autosomal dominant (EDMD5). Also called: EMERY-DREIFUSS MUSCULAR DYSTROPHY 5. Identifiers: Orphanet 261, MedGen C2751805, MONDO:0013072, OMIM 612999.

Allele frequency attached by ClinVar (database versions not stated): TOPMed 0.00002; ExAC 0.00004; gnomAD exomes 0.00004; gnomAD 0.00005; ESP Exome Variant Server 0.00008.
gnomAD v4.1: 66 of 1,613,688 alleles (0.0041%); highest among the groups gnomAD compares: East Asian, 0.027%; no homozygotes.

Submission:

Labcorp Genetics (formerly Invitae), Labcorp
Classification: Uncertain significance for Emery-Dreifuss muscular dystrophy 5, autosomal dominant. Last evaluated: 2024-03-02. Review status: criteria provided, single submitter. Criteria: Invitae Variant Classification Sherloc (09022015). Collection method: clinical testing. Allele origin: germline.
Comment: This sequence change replaces glutamic acid, which is acidic and polar, with lysine, which is basic and polar, at codon 5356 of the SYNE2 protein (p.Glu5356Lys). This variant is present in population databases (rs373707221, gnomAD 0.01%). This variant has not been reported in the literature in individuals affected with SYNE2-related conditions. Algorithms developed to predict the effect of missense changes on protein structure and function output the following: SIFT: "Not Available"; PolyPhen-2: "Benign"; Align-GVGD: "Not Available". The lysine amino acid residue is found in multiple mammalian species, which suggests that this missense change does not adversely affect protein function. In summary, the available evidence is currently insufficient to determine the role of this variant in disease. Therefore, it has been classified as a Variant of Uncertain Significance.